The following is an entry in ClinVar:

ClinVar aggregate classification (germline): Pathogenic (1 of 4 stars; one submission).

Conditions:
T-B+ severe combined immunodeficiency due to JAK3 deficiency. Also called: SCID, autosomal recessive, T-negative/B-positive type; SCID, T CELL-NEGATIVE, B CELL-POSITIVE, NK CELL-NEGATIVE. Identifiers: Orphanet 35078, MedGen C1833275, MONDO:0010938, OMIM 600802.

Submission:

Labcorp Genetics (formerly Invitae), Labcorp
Classification: Pathogenic for T-B+ severe combined immunodeficiency due to JAK3 deficiency. Last evaluated: 2023-04-29. Review status: criteria provided, single submitter. Criteria: Invitae Variant Classification Sherloc (09022015). Collection method: clinical testing. Allele origin: germline.
Comment: For these reasons, this variant has been classified as Pathogenic. This variant has not been reported in the literature in individuals affected with JAK3-related conditions. This variant is not present in population databases (gnomAD no frequency). This sequence change creates a premature translational stop signal (p.Leu389Serfs*76) in the JAK3 gene. It is expected to result in an absent or disrupted protein product. Loss-of-function variants in JAK3 are known to be pathogenic (PMID: 7481768, 11668621).

Literature cited by the submitters: PubMed 7481768; PubMed 11668621.

NM_000215.4(JAK3):c.1165del (p.Leu389fs)

Gene: JAK3 (Janus kinase 3; minus strand). Cytogenetic location: 19p13.11.
Variant type: Deletion.
Coding change: c.1165del on transcript NM_000215.4 (MANE Select); coding-DNA position 1165, one base deleted (C; older notation c.1165delC).
Protein change: p.Leu389fs; shifts the reading frame from leucine 389.
Molecular consequence: frameshift variant.
Genome position (GRCh38, 1-based): chr19:17,840,319, G deleted on the plus strand (C on the coding strand, the reverse complement: JAK3 is on the minus strand). VCF-style (leftmost placement, unchanged base first): chr19-17840318-AG-A. GRCh37 (hg19) VCF-style: chr19-17951127-AG-A.
Other names: short protein forms L389fs.
Identifiers: ClinVar variation 2798361 (VCV002798361.3), dbSNP rs2514568357, ClinGen allele CA2739276620.